The following is an entry in ClinVar:

ClinVar aggregate classification (germline): Uncertain significance (1 of 4 stars; one submission).

Allele frequency attached by ClinVar (database versions not stated): TOPMed 0.00001.

Submission:

Labcorp Genetics (formerly Invitae), Labcorp
Classification: Uncertain significance. Last evaluated: 2023-11-18. Review status: criteria provided, single submitter. Criteria: Invitae Variant Classification Sherloc (09022015). Collection method: clinical testing. Allele origin: germline.
Comment: This sequence change replaces alanine, which is neutral and non-polar, with glycine, which is neutral and non-polar, at codon 1472 of the COL11A2 protein (p.Ala1472Gly). This variant is not present in population databases (gnomAD no frequency). This variant has not been reported in the literature in individuals affected with COL11A2-related conditions. ClinVar contains an entry for this variant (Variation ID: 2042939). Advanced modeling of protein sequence and biophysical properties (such as structural, functional, and spatial information, amino acid conservation, physicochemical variation, residue mobility, and thermodynamic stability) performed at Invitae indicates that this missense variant is not expected to disrupt COL11A2 protein function with a negative predictive value of 95%. In summary, the available evidence is currently insufficient to determine the role of this variant in disease. Therefore, it has been classified as a Variant of Uncertain Significance.

NM_080680.3(COL11A2):c.4415C>G (p.Ala1472Gly)

Gene: COL11A2 (collagen type XI alpha 2 chain; minus strand). Cytogenetic location: 6p21.32.
Variant type: single nucleotide variant.
Coding change: c.4415C>G on transcript NM_080680.3 (MANE Select); coding-DNA position 4415, C replaced by G.
Protein change: p.Ala1472Gly; replaces alanine 1472 with glycine.
Molecular consequence: missense variant.
Genome position (GRCh38, 1-based): chr6:33,166,184, G>C on the plus strand (C>G on the coding strand, the complement: COL11A2 is on the minus strand). VCF-style: chr6-33166184-G-C. GRCh37 (hg19) VCF-style: chr6-33133961-G-C.
Other names: c.4094C>G, p.Ala1365Gly (NM_080679.3); c.4157C>G, p.Ala1386Gly (NM_080681.3); short protein forms A1386G, A1472G, A1365G.
Identifiers: ClinVar variation 2042939 (VCV002042939.4), dbSNP rs1285867821, ClinGen allele CA363619743.
Genomic context (GRCh38, chr6:33,166,184, plus strand): 5'-GTCCAGAGGGGGTGGAGCAAAGGTCAGAGCTGAAGGGGGTCACTCACTGTGGCTCCTTTG[G>C]CTCCTTTGGGGCCAGCAGGTCCCTGTGAAATGAGGAACAAGAAAGAGACGGTCACTGCAG-3'
Protein context (NP_542411.2, residues 1462-1482): GLPGPAGPKG[Ala1472Gly]KGATGPGGPK